The following is an entry in ClinVar:

NM_000458.4(HNF1B):c.*47T>C

Gene: HNF1B (HNF1 homeobox B; minus strand). Cytogenetic location: 17q12.
Variant type: single nucleotide variant.
Coding change: c.*47T>C on transcript NM_000458.4 (MANE Select); 47 bases downstream of the stop codon, T replaced by C.
Molecular consequence: 3 prime UTR variant. On other transcripts: synonymous variant (2).
Genome position (GRCh38, 1-based): chr17:37,687,325, A>G on the plus strand (T>C on the coding strand, the complement: HNF1B is on the minus strand). VCF-style: chr17-37687325-A-G. GRCh37 (hg19) VCF-style: chr17-36047328-A-G.
Other names: c.*47T>C (NM_001165923.4); c.1329T>C, p.Phe443= (NM_001304286.2); c.1602T>C, p.Phe534= (NM_001411100.1).
Identifiers: ClinVar variation 4999408 (VCV004999408.1).
Genomic context (GRCh38, chr17:37,687,325, plus strand): 5'-CAGGTGCTGGTCAGGTCACTGGGCTTTTCCATGACAGCTGCCCAGAGGGTGATGGTGTGG[A>G]AAACAGGGTCCTTGTTGTTGCGCACGAAGTAAGTGGTGTGTGGGCATCACCAGGCTTGTA-3'

ClinVar aggregate classification (germline): Likely benign (1 of 4 stars; one submission).

Conditions:
HNF1B-related disorder. Also called: HNF1B-related condition; HNF1B-related disorders.

Submission:

PreventionGenetics, part of Exact Sciences
Classification: Likely benign for HNF1B-related condition. Last evaluated: 2024-10-16. Review status: criteria provided, single submitter. Criteria: ACMG Guidelines, 2015. Collection method: clinical testing. Allele origin: germline.
Comment: This variant is classified as likely benign based on ACMG/AMP sequence variant interpretation guidelines (Richards et al. 2015 PMID: 25741868, with internal and published modifications).